The following is an entry in ClinVar:

ClinVar aggregate classification (germline): Pathogenic (1 of 4 stars; one submission).

Submission:

Labcorp Genetics (formerly Invitae), Labcorp
Classification: Pathogenic. Last evaluated: 2023-06-09. Review status: criteria provided, single submitter. Criteria: Invitae Variant Classification Sherloc (09022015). Collection method: clinical testing. Allele origin: germline.
Comment: This sequence change creates a premature translational stop signal (p.Val321Serfs*20) in the AGXT gene. It is expected to result in an absent or disrupted protein product. Loss-of-function variants in AGXT are known to be pathogenic (PMID: 19479957). This variant is not present in population databases (gnomAD no frequency). This variant has not been reported in the literature in individuals affected with AGXT-related conditions. For these reasons, this variant has been classified as Pathogenic.

Literature cited by the submitters: PubMed 19479957.

NM_000030.3(AGXT):c.960del (p.Val321fs)

Gene: AGXT (alanine--glyoxylate aminotransferase; plus strand). Cytogenetic location: 2q37.3.
Variant type: Deletion.
Coding change: c.960del on transcript NM_000030.3 (MANE Select); coding-DNA position 960, one base deleted (A; older notation c.960delA).
Protein change: p.Val321fs; shifts the reading frame from valine 321.
Molecular consequence: frameshift variant.
Genome position (GRCh38, 1-based): chr2:240,878,039, A deleted. VCF-style (leftmost placement, unchanged base first): chr2-240878038-CA-C. GRCh37 (hg19) VCF-style: chr2-241817455-CA-C.
Other names: short protein forms V321fs.
Identifiers: ClinVar variation 2910758 (VCV002910758.3), dbSNP rs2528764075, ClinGen allele CA2739279278.
Genomic context (GRCh38, chr2:240,878,038, plus strand): 5'-TACAGGGCCTCTCACCCACGCACTGAGCCAGGCCCCTCCTGCAGGCGCTCCGGCTTCCCA[CA>C]GTCACCACTGTGGCTGTACCCGCTGGCTATGACTGGAGAGACATCGTCAGCTACGTCATA-3'